The following is an entry in ClinVar:

ClinVar aggregate classification (germline): Conflicting classifications of pathogenicity. Review status: criteria provided, conflicting classifications (1 of 4 stars). 2 submissions from 2 submitters: Uncertain significance (1); Likely benign (1). Last evaluated 2025-05-06.

Conditions:
Regional enteritis. Also called: Enteritis, Granulomatous. Identifiers: MedGen C0678202, MeSH D003424.
Blau syndrome (BLAUS). Also called: GRANULOMATOSIS, FAMILIAL JUVENILE SYSTEMIC; GRANULOMATOSIS, FAMILIAL, BLAU TYPE; GRANULOMATOUS INFLAMMATORY ARTHRITIS, DERMATITIS, AND UVEITIS, FAMILIAL; JABS SYNDROME; ARTHROCUTANEOUVEAL GRANULOMATOSIS. Identifiers: Orphanet 90340, MedGen C5201146, MONDO:0008523, OMIM 186580.

Allele frequency attached by ClinVar (database versions not stated): gnomAD exomes 0.00001; ExAC 0.00002; TOPMed 0.00007; ESP Exome Variant Server 0.00008; gnomAD 0.00009; 1000 Genomes Project 30x 0.00016; 1000 Genomes Project 0.00020.
gnomAD v4.1: 25 of 1,614,184 alleles (0.0015%); highest among the groups gnomAD compares: African/African-American, 0.027%; no homozygotes.

Submissions (2):

Labcorp Genetics (formerly Invitae), Labcorp
Classification: Uncertain significance for Regional enteritis; Blau syndrome. Last evaluated: 2025-05-06. Review status: criteria provided, single submitter. Criteria: Invitae Variant Classification Sherloc (09022015). Collection method: clinical testing. Allele origin: germline.
Comment: This sequence change replaces alanine, which is neutral and non-polar, with valine, which is neutral and non-polar, at codon 224 of the NOD2 protein (p.Ala224Val). This variant is present in population databases (rs375336137, gnomAD 0.02%). This variant has not been reported in the literature in individuals affected with NOD2-related conditions. ClinVar contains an entry for this variant (Variation ID: 1431029). Invitae Evidence Modeling of protein sequence and biophysical properties (such as structural, functional, and spatial information, amino acid conservation, physicochemical variation, residue mobility, and thermodynamic stability) indicates that this missense variant is not expected to disrupt NOD2 protein function with a negative predictive value of 95%. In summary, the available evidence is currently insufficient to determine the role of this variant in disease. Therefore, it has been classified as a Variant of Uncertain Significance.

Blueprint Genetics
Classification: Likely benign. Last evaluated: 2024-08-12. Review status: criteria provided, single submitter. Criteria: ACMG Guidelines, 2015. Collection method: clinical testing. Allele origin: germline.

NM_001370466.1(NOD2):c.590C>T (p.Ala197Val)

Gene: NOD2 (nucleotide binding oligomerization domain containing 2; plus strand). Cytogenetic location: 16q12.1.
Variant type: single nucleotide variant.
Coding change: c.590C>T on transcript NM_001370466.1 (MANE Select); coding-DNA position 590, C replaced by T.
Protein change: p.Ala197Val; replaces alanine 197 with valine.
Molecular consequence: missense variant. On other transcripts: non-coding transcript variant (1).
Genome position (GRCh38, 1-based): chr16:50,710,582, C>T. VCF-style: chr16-50710582-C-T. GRCh37 (hg19) VCF-style: chr16-50744493-C-T.
Other names: c.590C>T, p.Ala197Val (NM_001293557.2); c.671C>T, p.Ala224Val (NM_022162.3); short protein forms A224V, A197V.
Identifiers: ClinVar variation 1431029 (VCV001431029.9), dbSNP rs375336137, ClinGen allele CA8051371.